The following is an entry in ClinVar:

NM_005215.4(DCC):c.2177C>T (p.Pro726Leu)

Gene: DCC (DCC netrin 1 receptor; plus strand). Cytogenetic location: 18q21.2.
Variant type: single nucleotide variant.
Coding change: c.2177C>T on transcript NM_005215.4 (MANE Select); coding-DNA position 2177, C replaced by T.
Protein change: p.Pro726Leu; replaces proline 726 with leucine.
Molecular consequence: missense variant.
Genome position (GRCh38, 1-based): chr18:53,339,725, C>T. VCF-style: chr18-53339725-C-T. GRCh37 (hg19) VCF-style: chr18-50866095-C-T.
Other names: short protein forms P726L.
Identifiers: ClinVar variation 3342508 (VCV003342508.1).

ClinVar aggregate classification (germline): Uncertain significance (1 of 4 stars; one submission).

Submission:

GeneDx
Classification: Uncertain significance. Last evaluated: 2024-01-23. Review status: criteria provided, single submitter. Criteria: GeneDx Variant Classification Process June 2021. Collection method: clinical testing. Allele origin: germline. Affected: yes.
Comment: Not observed at significant frequency in large population cohorts (gnomAD); In silico analysis supports that this missense variant has a deleterious effect on protein structure/function; Has not been previously published as pathogenic or benign to our knowledge